The following is an entry in ClinVar:

ClinVar aggregate classification (germline): Conflicting classifications of pathogenicity. Review status: criteria provided, conflicting classifications (1 of 4 stars). 3 submissions from 3 submitters: Uncertain significance (1); Likely benign (1). 1 of the submissions does not count toward it. Last evaluated 2025-12-14.

Conditions:
PXDN-related disorder. Also called: PXDN-related condition.
Anterior segment dysgenesis 7 (ASGD7). Also called: Anterior segment dysgenesis 7, with sclerocornea; SCLEROCORNEA WITH OTHER OCULAR ANOMALIES. Identifiers: Orphanet 289499, MedGen C3151617, MONDO:0010015, OMIM 269400.

Allele frequency attached by ClinVar (database versions not stated): gnomAD exomes 0.00011; 1000 Genomes Project 30x 0.00062; 1000 Genomes Project 0.00080; ESP Exome Variant Server 0.00089; gnomAD 0.00089 and 0.00096; TOPMed 0.00100.
gnomAD v4.1: 314 of 1,613,590 alleles (0.019%); highest among the groups gnomAD compares: African/African-American, 0.34%; 1 homozygote.

Submissions (3):

Labcorp Genetics (formerly Invitae), Labcorp
Classification: Likely benign for Anterior segment dysgenesis 7. Last evaluated: 2025-12-14. Review status: criteria provided, single submitter. Criteria: Invitae Variant Classification Sherloc (09022015). Collection method: clinical testing. Allele origin: germline.

GeneDx
Classification: Uncertain significance. Last evaluated: 2021-06-23. Review status: criteria provided, single submitter. Criteria: GeneDx Variant Classification Process June 2021. Collection method: clinical testing. Allele origin: germline. Affected: yes.
Comment: In silico analysis supports that this missense variant has a deleterious effect on protein structure/function; Has not been previously published as pathogenic or benign to our knowledge; This variant is associated with the following publications: (PMID: 27535533)

PreventionGenetics, part of Exact Sciences
Classification: Likely benign for PXDN-related condition. Last evaluated: 2023-03-07. Review status: no assertion criteria provided. Collection method: clinical testing. Allele origin: germline. Not counted in ClinVar's aggregate classification.
Comment: This variant is classified as likely benign based on ACMG/AMP sequence variant interpretation guidelines (Richards et al. 2015 PMID: 25741868, with internal and published modifications).

NM_012293.3(PXDN):c.1112C>T (p.Pro371Leu)

Gene: PXDN (peroxidasin; minus strand). Cytogenetic location: 2p25.3.
Variant type: single nucleotide variant.
Coding change: c.1112C>T on transcript NM_012293.3 (MANE Select); coding-DNA position 1112, C replaced by T.
Protein change: p.Pro371Leu; replaces proline 371 with leucine.
Molecular consequence: missense variant.
Genome position (GRCh38, 1-based): chr2:1,666,393, G>A on the plus strand (C>T on the coding strand, the complement: PXDN is on the minus strand). VCF-style: chr2-1666393-G-A. GRCh37 (hg19) VCF-style: chr2-1670165-G-A.
Other names: short protein forms P371L.
Identifiers: ClinVar variation 771087 (VCV000771087.13), dbSNP rs201592851, ClinGen allele CA1513432.
Genomic context (GRCh38, chr2:1,666,393, plus strand): 5'-ATGTTCACCCGCGGGTCAACTGGCAAGGGTGTGCGGTCACCTCTCGTCCAGGAGATCCGC[G>A]GCGGGGGGTGGCCTGTGGCGCTGCACTCCAGCGTGACGCTCTCCCCAACCAGCACCTCTG-3'
Protein context (NP_036425.1, residues 361-381): LECSATGHPP[Pro371Leu]RISWTRGDRT